The following is an entry in ClinVar:

NM_004208.4(AIFM1):c.1045A>G (p.Ser349Gly)

Genes: RAB33A (RAB33A, member RAS oncogene family; plus strand), AIFM1 (apoptosis inducing factor mitochondria associated 1; minus strand). Cytogenetic location: Xq26.1.
Variant type: single nucleotide variant.
Coding change: c.1045A>G on transcript NM_004208.4 (MANE Select); coding-DNA position 1045, A replaced by G.
Protein change: p.Ser349Gly; replaces serine 349 with glycine.
Molecular consequence: missense variant. On other transcripts: 3 prime UTR variant (1), non-coding transcript variant (1).
Genome position (GRCh38, 1-based): chrX:130,137,108, T>C on the plus strand (A>G on the coding strand, the complement: AIFM1 is on the minus strand). VCF-style: chrX-130137108-T-C. GRCh37 (hg19) VCF-style: chrX-129271083-T-C.
Other names: c.28A>G, p.Ser10Gly (NM_001130846.4); c.*273A>G (NM_001130847.4); c.1033A>G, p.Ser345Gly (NM_145812.3); short protein forms S349G, S10G, S345G.
Identifiers: ClinVar variation 958283 (VCV000958283.13), dbSNP rs773200122, ClinGen allele CA10515345.

ClinVar aggregate classification (germline): Conflicting classifications of pathogenicity. Review status: criteria provided, conflicting classifications (1 of 4 stars). 4 submissions from 4 submitters: Uncertain significance (2); Likely benign (2). Last evaluated 2026-06-05.

Conditions:
AIFM1-related disorder. Also called: AIFM1-related condition.
Charcot-Marie-Tooth Neuropathy X. Identifiers: MedGen CN118851.
Combined oxidative phosphorylation deficiency. Identifiers: MedGen C4540031, MONDO:0000732.
Inborn genetic diseases. Identifiers: MedGen C0950123, MeSH D030342.

Allele frequency attached by ClinVar (database versions not stated): TOPMed 0.00001; ExAC 0.00002; gnomAD exomes 0.00002 and 0.00004.
gnomAD v4.1: 10 of 1,211,374 alleles (0.00083%); highest among the groups gnomAD compares: Middle Eastern, 0.023%; no homozygotes.

Submissions (4):

PreventionGenetics, part of Exact Sciences
Classification: Likely benign for AIFM1-related condition. Last evaluated: 2026-06-05. Review status: criteria provided, single submitter. Criteria: ACMG Guidelines, 2015. Collection method: clinical testing. Allele origin: germline.
Comment: This variant is classified as likely benign based on ACMG/AMP sequence variant interpretation guidelines (Richards et al. 2015 PMID: 25741868, with internal and published modifications).

Women's Health and Genetics/Laboratory Corporation of America, LabCorp
Classification: Uncertain significance. Last evaluated: 2026-05-11. Review status: criteria provided, single submitter. Criteria: LabCorp Variant Classification Summary - May 2015. Collection method: clinical testing. Allele origin: germline.
Comment: Variant summary: AIFM1 c.1045A>G (p.Ser349Gly) results in a non-conservative amino acid change in the encoded protein sequence. Algorithms developed to predict the effect of missense changes on protein structure and function are either unavailable or do not agree on the potential impact of this missense change. The variant allele was found at a frequency of 4.4e-05 in 183394 control chromosomes (gnomAD). The available data on variant occurrences in the general population are insufficient to allow any conclusion about variant significance. c.1045A>G has been observed in an individual affected with features of Charcot-Marie-Tooth disease X-linked recessive 4 (Yechieli_2022) and individuals with hearing loss (Elrharchi_2020). These reports do not provide unequivocal conclusions about association of the variant with Charcot-Marie-Tooth disease X-linked recessive 4. To our knowledge, no experimental evidence demonstrating an impact on protein function has been reported. The following publications have been ascertained in the context of this evaluation (PMID: 33486474, 34321325). ClinVar contains an entry for this variant (Variation ID: 958283). Based on the evidence outlined above, the variant was classified as uncertain significance.

Labcorp Genetics (formerly Invitae), Labcorp
Classification: Likely benign for Charcot-Marie-Tooth Neuropathy X; Combined oxidative phosphorylation deficiency. Last evaluated: 2024-11-20. Review status: criteria provided, single submitter. Criteria: Invitae Variant Classification Sherloc (09022015). Collection method: clinical testing. Allele origin: germline.

Ambry Genetics
Classification: Uncertain significance for Inborn genetic diseases. Last evaluated: 2020-03-03. Review status: criteria provided, single submitter. Criteria: Ambry Variant Classification Scheme 2023. Collection method: clinical testing. Allele origin: germline.
Comment: The p.S349G variant (also known as c.1045A>G), located in coding exon 10 of the AIFM1 gene, results from an A to G substitution at nucleotide position 1045. The serine at codon 349 is replaced by glycine, an amino acid with similar properties. This amino acid position is highly conserved in available vertebrate species. In addition, the in silico prediction for this alteration is inconclusive. Since supporting evidence is limited at this time, the clinical significance of this alteration remains unclear.

Literature cited by the submitters: PubMed 33486474 (cited by Women's Health and Genetics/Laboratory Corporation of America, LabCorp); PubMed 34321325 (cited by Women's Health and Genetics/Laboratory Corporation of America, LabCorp).